The following is an entry in ClinVar:

ClinVar aggregate classification (germline): Likely benign. Review status: criteria provided, single submitter (1 of 4 stars). 2 submissions from 2 submitters: Likely benign (1). 1 of the submissions does not count toward it. Last evaluated 2025-04-17.

Conditions:
ATP8B1-related disorder. Also called: ATP8B1-related disorders; ATP8B1-related condition.

Allele frequency attached by ClinVar (database versions not stated): ExAC 0.00002; TOPMed 0.00003; gnomAD 0.00004.
gnomAD v4.1: 41 of 1,613,910 alleles (0.0025%); highest among the groups gnomAD compares: Non-Finnish European, 0.0033%; no homozygotes.

Submissions (2):

Labcorp Genetics (formerly Invitae), Labcorp
Classification: Likely benign. Last evaluated: 2025-04-17. Review status: criteria provided, single submitter. Criteria: Invitae Variant Classification Sherloc (09022015). Collection method: clinical testing. Allele origin: germline.

PreventionGenetics, part of Exact Sciences
Classification: Likely benign for ATP8B1-related condition. Last evaluated: 2022-01-17. Review status: no assertion criteria provided. Collection method: clinical testing. Allele origin: germline. Not counted in ClinVar's aggregate classification.
Comment: This variant is classified as likely benign based on ACMG/AMP sequence variant interpretation guidelines (Richards et al. 2015 PMID: 25741868, with internal and published modifications).

NM_001374385.1(ATP8B1):c.3472C>T (p.Leu1158=)

Genes: ATP8B1 (ATPase phospholipid transporting 8B1; minus strand), ATP8B1-AS1 (ATP8B1 antisense RNA 1; plus strand). Cytogenetic location: 18q21.31.
Variant type: single nucleotide variant.
Coding change: c.3472C>T on transcript NM_001374385.1 (MANE Select); coding-DNA position 3472, C replaced by T.
Protein change: p.Leu1158=; no amino-acid change (leucine 1158 retained).
Molecular consequence: synonymous variant.
Genome position (GRCh38, 1-based): chr18:57,650,426, G>A on the plus strand (C>T on the coding strand, the complement: ATP8B1 is on the minus strand). VCF-style: chr18-57650426-G-A. GRCh37 (hg19) VCF-style: chr18-55317658-G-A.
Other names: c.3472C>T (NM_005603.4); c.3322C>T, p.Leu1108= (NM_001374386.1); c.3472C>T, p.Leu1158= (NM_005603.6).
Identifiers: ClinVar variation 2972138 (VCV002972138.5), dbSNP rs200999435, ClinGen allele CA8974004.